The following is an entry in ClinVar:

ClinVar aggregate classification (germline): Uncertain significance (1 of 4 stars; one submission).

Conditions:
Rubinstein-Taybi syndrome due to EP300 haploinsufficiency. Also called: EP300-Related Rubinstein-Taybi Syndrome; RUBINSTEIN-TAYBI SYNDROME 2. Identifiers: Orphanet 353284, Orphanet 783, MedGen C3150941, MONDO:0013364, OMIM 613684.

Submission:

Labcorp Genetics (formerly Invitae), Labcorp
Classification: Uncertain significance for Rubinstein-Taybi syndrome due to EP300 haploinsufficiency. Last evaluated: 2023-11-27. Review status: criteria provided, single submitter. Criteria: Invitae Variant Classification Sherloc (09022015). Collection method: clinical testing. Allele origin: germline.
Comment: This sequence change replaces proline, which is neutral and non-polar, with threonine, which is neutral and polar, at codon 723 of the EP300 protein (p.Pro723Thr). This variant is not present in population databases (gnomAD no frequency). This variant has not been reported in the literature in individuals affected with EP300-related conditions. Advanced modeling of protein sequence and biophysical properties (such as structural, functional, and spatial information, amino acid conservation, physicochemical variation, residue mobility, and thermodynamic stability) performed at Invitae indicates that this missense variant is not expected to disrupt EP300 protein function with a negative predictive value of 80%. In summary, the available evidence is currently insufficient to determine the role of this variant in disease. Therefore, it has been classified as a Variant of Uncertain Significance.

NM_001429.4(EP300):c.2167C>A (p.Pro723Thr)

Gene: EP300 (EP300 lysine acetyltransferase; plus strand). Cytogenetic location: 22q13.2.
Variant type: single nucleotide variant.
Coding change: c.2167C>A on transcript NM_001429.4 (MANE Select); coding-DNA position 2167, C replaced by A.
Protein change: p.Pro723Thr; replaces proline 723 with threonine.
Molecular consequence: missense variant.
Genome position (GRCh38, 1-based): chr22:41,147,872, C>A. VCF-style: chr22-41147872-C-A. GRCh37 (hg19) VCF-style: chr22-41543876-C-A.
Other names: c.2089C>A, p.Pro697Thr (NM_001362843.2); short protein forms P697T, P723T.
Identifiers: ClinVar variation 2752434 (VCV002752434.3), dbSNP rs755152564, ClinGen allele CA411690007.